The following is an entry in ClinVar:

NM_000138.5(FBN1):c.1400C>T (p.Pro467Leu)

Gene: FBN1 (fibrillin 1; minus strand). Cytogenetic location: 15q21.1.
Variant type: single nucleotide variant.
Coding change: c.1400C>T on transcript NM_000138.5 (MANE Select); coding-DNA position 1400, C replaced by T.
Protein change: p.Pro467Leu; replaces proline 467 with leucine.
Molecular consequence: missense variant.
Genome position (GRCh38, 1-based): chr15:48,515,455, G>A on the plus strand (C>T on the coding strand, the complement: FBN1 is on the minus strand). VCF-style: chr15-48515455-G-A. GRCh37 (hg19) VCF-style: chr15-48807652-G-A.
Other names: c.1400C>T, p.Pro467Leu (NM_001406716.1); short protein forms P467L.
Identifiers: ClinVar variation 4758157 (VCV004758157.1).
Genomic context (GRCh38, chr15:48,515,455, plus strand): 5'-TCCCCACGGAGGTCCAGCTGGAACCCTTTGTTGCACTCACACCGGTAACTCCCAGGAGTT[G>A]GAATGCAGCGTCCATTTTGACAGAGATAGCGGACCAACTGGCAGTAATCAGTAACGTTTA-3'
Protein context (NP_000129.3, residues 457-477): RYLCQNGRCI[Pro467Leu]TPGSYRCECN

ClinVar aggregate classification (germline): Uncertain significance (1 of 4 stars; one submission).

Conditions:
Familial thoracic aortic aneurysm and aortic dissection (TAAD). Also called: Thoracic aortic aneurysms and dissections. Identifiers: Orphanet 91387, MedGen C4707243, MONDO:0019625.

Submission:

Color Diagnostics, LLC DBA Color Health
Classification: Uncertain significance for Familial thoracic aortic aneurysm and aortic dissection. Last evaluated: 2025-10-05. Review status: criteria provided, single submitter. Criteria: ACMG Guidelines, 2015. Collection method: clinical testing. Allele origin: germline.
Comment: This missense variant replaces proline with leucine at codon 467 of the FBN1 protein. Computational prediction suggests that this variant may have deleterious impact on protein structure and function. To our knowledge, functional studies have not been reported for this variant. This variant has not been reported in individuals affected with FBN1-related disorders in the literature. This variant has not been identified in the general population by the Genome Aggregation Database (gnomAD). The available evidence is insufficient to determine the role of this variant in disease conclusively. Therefore, this variant is classified as a Variant of Uncertain Significance.